The following is an entry in ClinVar:

NM_004959.5(NR5A1):c.871-1G>C

Gene: NR5A1 (nuclear receptor subfamily 5 group A member 1; minus strand). Cytogenetic location: 9q33.3.
Variant type: single nucleotide variant.
Coding change: c.871-1G>C on transcript NM_004959.5 (MANE Select); the canonical splice acceptor site of the intron before coding-DNA position 871, G replaced by C.
Molecular consequence: splice acceptor variant.
Genome position (GRCh38, 1-based): chr9:124,493,150, C>G on the plus strand (G>C on the coding strand, the complement: NR5A1 is on the minus strand). VCF-style: chr9-124493150-C-G. GRCh37 (hg19) VCF-style: chr9-127255429-C-G.
Identifiers: ClinVar variation 2629953 (VCV002629953.2), dbSNP rs2538676471, ClinGen allele CA374882795.
Genomic context (GRCh38, chr9:124,493,150, plus strand): 5'-GTGGTCGAACACCAGCAGCTCGCTCCAGCAGTTCTGCAGCAGCGTCATCTGGTCGGCCAC[C>G]TGGAAGGAAGAGGCACGCGGGGGGCCGGGCTCCAGCCAGGGTCCAGGGACCTTCCTCTCA-3'

ClinVar aggregate classification (germline): Pathogenic/Likely pathogenic. Review status: criteria provided, multiple submitters, no conflicts (2 of 4 stars). 2 submissions from 2 submitters: Pathogenic (1); Likely pathogenic (1). Last evaluated 2024-05-14.

Conditions:
NR5A1-related disorder. Also called: NR5A1-related condition.

Submissions (2):

GeneDx
Classification: Likely pathogenic. Last evaluated: 2024-05-14. Review status: criteria provided, single submitter. Criteria: GeneDx Variant Classification Process June 2021. Collection method: clinical testing. Allele origin: germline. Affected: yes.
Comment: Canonical splice site variant predicted to result in an in-frame loss of the adjacent exon in a gene for which loss of function is a known mechanism of disease; Not observed at significant frequency in large population cohorts (gnomAD); This variant is associated with the following publications: (PMID: 29190620)

PreventionGenetics, part of Exact Sciences
Classification: Pathogenic for NR5A1-related condition. Last evaluated: 2022-12-19. Review status: criteria provided, single submitter. Criteria: ACMG Guidelines, 2015. Collection method: clinical testing. Allele origin: germline.
Comment: The NR5A1 c.871-1G>C variant is predicted to disrupt the AG splice acceptor site and interfere with normal splicing. This variant has been reported in an individual with 46,XY partial gonadal dysgenesis (Rehkämper et al 2017. PubMed ID: 29190620). This variant has not been reported in a large population database, indicating this variant is rare. Variants that disrupt the consensus splice acceptor site in NR5A1 are expected to be pathogenic. This variant is interpreted as pathogenic.